The following is an entry in ClinVar:

NM_020987.5(ANK3):c.6697G>T (p.Val2233Phe)

Gene: ANK3 (ankyrin 3; minus strand). Cytogenetic location: 10q21.2.
Variant type: single nucleotide variant.
Coding change: c.6697G>T on transcript NM_020987.5 (MANE Select); coding-DNA position 6697, G replaced by T.
Protein change: p.Val2233Phe; replaces valine 2233 with phenylalanine.
Molecular consequence: missense variant. On other transcripts: intron variant (4).
Genome position (GRCh38, 1-based): chr10:60,074,184, C>A on the plus strand (G>T on the coding strand, the complement: ANK3 is on the minus strand). VCF-style: chr10-60074184-C-A. GRCh37 (hg19) VCF-style: chr10-61833942-C-A.
Other names: c.4388-6175G>T (NM_001204403.2); c.4409-6175G>T (NM_001204404.2); c.4406-6175G>T (NM_001320874.2); c.1808-6175G>T (NM_001149.4); short protein forms V2233F.
Identifiers: ClinVar variation 382269 (VCV000382269.10), dbSNP rs748148709, ClinGen allele CA5511831.

ClinVar aggregate classification (germline): Conflicting classifications of pathogenicity. Review status: criteria provided, conflicting classifications (1 of 4 stars). 3 submissions from 3 submitters: Uncertain significance (2); Likely benign (1). Last evaluated 2026-01-26.

Conditions:
Inborn genetic diseases. Identifiers: MedGen C0950123, MeSH D030342.

Allele frequency attached by ClinVar (database versions not stated): gnomAD 0.00003; ExAC 0.00005; TOPMed 0.00005; gnomAD exomes 0.00011.
gnomAD v4.1: 43 of 1,614,098 alleles (0.0027%); highest among the groups gnomAD compares: Admixed American, 0.065%; no homozygotes.

Submissions (3):

Labcorp Genetics (formerly Invitae), Labcorp
Classification: Uncertain significance. Last evaluated: 2026-01-26. Review status: criteria provided, single submitter. Criteria: Invitae Variant Classification Sherloc (09022015). Collection method: clinical testing. Allele origin: germline.
Comment: This sequence change replaces valine, which is neutral and non-polar, with phenylalanine, which is neutral and non-polar, at codon 2233 of the ANK3 protein (p.Val2233Phe). This variant is present in population databases (rs748148709, gnomAD 0.09%). This variant has not been reported in the literature in individuals affected with ANK3-related conditions. ClinVar contains an entry for this variant (Variation ID: 382269). Invitae Evidence Modeling of protein sequence and biophysical properties (such as structural, functional, and spatial information, amino acid conservation, physicochemical variation, residue mobility, and thermodynamic stability) indicates that this missense variant is not expected to disrupt ANK3 protein function with a negative predictive value of 80%. In summary, the available evidence is currently insufficient to determine the role of this variant in disease. Therefore, it has been classified as a Variant of Uncertain Significance.

Ambry Genetics
Classification: Likely benign for Inborn genetic diseases. Last evaluated: 2024-12-10. Review status: criteria provided, single submitter. Criteria: Ambry Variant Classification Scheme 2023. Collection method: clinical testing. Allele origin: germline.

GeneDx
Classification: Uncertain significance. Last evaluated: 2021-12-06. Review status: criteria provided, single submitter. Criteria: GeneDx Variant Classification Process June 2021. Collection method: clinical testing. Allele origin: germline. Affected: yes.
Comment: In silico analysis supports that this missense variant does not alter protein structure/function; Has not been previously published as pathogenic or benign to our knowledge; Variants in candidate genes are classified as variants of uncertain significance in accordance with ACMG guidelines (Richards et al., 2015)